The following is an entry in ClinVar:

ClinVar aggregate classification (germline): Uncertain significance (1 of 4 stars; one submission).

Conditions:
Cardiovascular phenotype. Identifiers: MedGen CN230736.

Submission:

Ambry Genetics
Classification: Uncertain significance for Cardiovascular phenotype. Last evaluated: 2023-02-01. Review status: criteria provided, single submitter. Criteria: Ambry Variant Classification Scheme 2023. Collection method: clinical testing. Allele origin: germline.
Comment: The p.N330K variant (also known as c.990T>A), located in coding exon 6 of the ABCC9 gene, results from a T to A substitution at nucleotide position 990. The asparagine at codon 330 is replaced by lysine, an amino acid with similar properties. This amino acid position is not well conserved in available vertebrate species. In addition, this alteration is predicted to be tolerated by in silico analysis. Since supporting evidence is limited at this time, the clinical significance of this alteration remains unclear.

NM_020297.4(ABCC9):c.990T>A (p.Asn330Lys)

Gene: ABCC9 (ATP binding cassette subfamily C member 9; minus strand). Cytogenetic location: 12p12.1.
Variant type: single nucleotide variant.
Coding change: c.990T>A on transcript NM_020297.4 (MANE Select); coding-DNA position 990, T replaced by A.
Protein change: p.Asn330Lys; replaces asparagine 330 with lysine.
Molecular consequence: missense variant.
Genome position (GRCh38, 1-based): chr12:21,912,893, A>T on the plus strand (T>A on the coding strand, the complement: ABCC9 is on the minus strand). VCF-style: chr12-21912893-A-T. GRCh37 (hg19) VCF-style: chr12-22065827-A-T.
Other names: c.990T>A, p.Asn330Lys (NM_001377273.1, NM_005691.4); c.126T>A, p.Asn42Lys (NM_001377274.1); short protein forms N42K, N330K.
Identifiers: ClinVar variation 2447990 (VCV002447990.2), dbSNP rs757612560, ClinGen allele CA384120851.